The following is an entry in ClinVar:

ClinVar aggregate classification (germline): Uncertain significance. Review status: criteria provided, multiple submitters, no conflicts (2 of 4 stars). 11 submissions from 11 submitters: Uncertain significance (9). 2 of the submissions do not count toward it. Last evaluated 2026-07-31.

Conditions:
LOXHD1-related disorder. Also called: LOXHD1-related condition.
Autosomal recessive nonsyndromic hearing loss 77. Identifiers: Orphanet 90636, MedGen C2746083, MONDO:0013119, OMIM 613079.

Allele frequency attached by ClinVar (database versions not stated): TOPMed 0.00059; 1000 Genomes Project 0.00060; 1000 Genomes Project 30x 0.00094; ESP Exome Variant Server 0.00219.
gnomAD v4.1: 1,268 of 1,549,294 alleles (0.082%); highest among the groups gnomAD compares: Non-Finnish European, 0.099%; 1 homozygote.

Submissions (11):

PreventionGenetics, part of Exact Sciences
Classification: Uncertain significance for LOXHD1-related condition. Last evaluated: 2026-07-31. Review status: criteria provided, single submitter. Criteria: ACMG Guidelines, 2015. Collection method: clinical testing. Allele origin: germline.
Comment: The LOXHD1 c.2251C>T variant is predicted to result in the amino acid substitution p.Arg751Trp. This variant has been reported the heterozygous state in an individual with late-onset Fuchs corneal dystrophy (Table S2, Riazuddin et al. 2012. PubMed ID: 22341973) and in the presumed compound heterozygous state with a second LOXHD1 variant (p.Val647Phe) in an individual with eosinophilic esophagitis (Table S2, Sherrill et al. 2018. PubMed ID: 29669943); however, this variant has not been reported in an individual with autosomal recessive hearing loss. This variant is reported in 0.14% of alleles in individuals of Ashkenazi Jewish descent in gnomAD. Although we suspect that this variant may be benign, the clinical significance of this variant is uncertain at this time due to the absence of conclusive functional and genetic evidence.

Women's Health and Genetics/Laboratory Corporation of America, LabCorp
Classification: Uncertain significance. Last evaluated: 2026-01-16. Review status: criteria provided, single submitter. Criteria: LabCorp Variant Classification Summary - May 2015. Collection method: clinical testing. Allele origin: germline.
Comment: Variant summary: LOXHD1 c.2251C>T (p.Arg751Trp) results in a non-conservative amino acid change in the encoded protein sequence. Algorithms developed to predict the effect of missense changes on protein structure and function are either unavailable or do not agree on the potential impact of this missense change. The variant allele was found at a frequency of 0.00082 in 1549294 control chromosomes in the gnomAD database, predominantly in the Ashkenazi-Jewish subpopulation (0.0013) including 1 homozygote. This general population frequency is not significantly higher than estimated for disease-causing variants in LOXHD1, allowing no conclusion about variant significance. c.2251C>T has been reported in the literature in at least one individual affected with Fuchs corneal dystrophy, however no further clinical information was provided (e.g. Riazuddin_2012). This report does not provide unequivocal conclusions about association of the variant with Nonsyndromic Hearing Loss And Deafness, Type 77. At least one publication reports experimental evidence evaluating an impact on protein function and found the variant resulted in cytoplasmic aggregates when expressed in retinal pigment epithelium cells (Riazuddin_2012); however, the clinical significance of this finding is currently unclear and does not allow convincing conclusions about the variant effect. The following publications have been ascertained in the context of this evaluation (PMID: 22341973, 29676012, 29669943, 40244234, 24755471, 29930198, 34130750, 23585771, 31263352). ClinVar contains an entry for this variant (Variation ID: 47929). Based on the evidence outlined above, the variant was classified as uncertain significance.

Blueprint Genetics
Classification: Uncertain significance. Last evaluated: 2024-09-05. Review status: criteria provided, single submitter. Criteria: ACMG Guidelines, 2015. Collection method: clinical testing. Allele origin: germline.

Labcorp Genetics (formerly Invitae), Labcorp
Classification: Uncertain significance. Last evaluated: 2022-07-05. Review status: criteria provided, single submitter. Criteria: Invitae Variant Classification Sherloc (09022015). Collection method: clinical testing. Allele origin: germline.
Comment: This sequence change replaces arginine, which is basic and polar, with tryptophan, which is neutral and slightly polar, at codon 751 of the LOXHD1 protein (p.Arg751Trp). This variant is present in population databases (rs376539851, gnomAD 0.1%), and has an allele count higher than expected for a pathogenic variant. This missense change has been observed in individual(s) with clinical features of Fuchs corneal dystrophy (PMID: 22341973). ClinVar contains an entry for this variant (Variation ID: 47929). Algorithms developed to predict the effect of missense changes on protein structure and function are either unavailable or do not agree on the potential impact of this missense change (SIFT: "Deleterious"; PolyPhen-2: "Benign"; Align-GVGD: "Class C0"). Experimental studies have shown that this missense change affects LOXHD1 function (PMID: 22341973). In summary, the available evidence is currently insufficient to determine the role of this variant in disease. Therefore, it has been classified as a Variant of Uncertain Significance.

Fulgent Genetics
Classification: Uncertain significance for Autosomal recessive nonsyndromic hearing loss 77. Last evaluated: 2022-05-11. Review status: criteria provided, single submitter. Criteria: ACMG Guidelines, 2015. Collection method: clinical testing. Allele origin: unknown.

Laboratory for Molecular Medicine, Mass General Brigham Personalized Medicine
Classification: Uncertain significance. Last evaluated: 2020-05-07. Review status: criteria provided, single submitter. Criteria: LMM Criteria. Collection method: clinical testing. Allele origin: germline. Observed: 6 variant alleles.
Comment: The p.Arg751Trp variant in LOXHD1 has been previously identified by our laboratory in four individuals with hearing loss; however a second variant in trans (on the other copy of the gene) was not identified in any of these individuals. This variant has been identified in 0.13% (12/8778) of Ashkenazi Jewish chromosomes by the Genome Aggregation Database (gnomAD; dbSNP rs376539851). Although this variant has been seen in the general population, its frequency is not high enough to rule out a pathogenic role. The p.Arg751Trp variant has been seen in the heterozygous state in one individual with late-onset Fuchs corneal dystrophy (FCD); however the hearing status was not reported (Riazuddin 2012). This variant's association with FCD has not been reported in other affected individuals, which, given the frequency in the general population and presumed autosomal dominant inheritance pattern of FCD, does not support a strong correlation between this variant and FCD. It has also been reported in an individual with eosinophilic esophagitis, but the LOXHD1 gene has not been associated with this condition. Computational prediction tools and conservation analysis do not provide strong support for or against an impact to the protein. In summary, the clinical significance of the p.Arg751Trp variant is uncertain. ACMG/AMP Criteria applied: None.

Illumina Laboratory Services, Illumina
Classification: Uncertain significance for Autosomal recessive nonsyndromic hearing loss 77. Last evaluated: 2017-04-27. Review status: criteria provided, single submitter. Criteria: ICSL Variant Classification Criteria 13 December 2019. Collection method: clinical testing. Allele origin: germline.

Eurofins Ntd Llc (ga)
Classification: Uncertain significance. Last evaluated: 2017-02-08. Review status: criteria provided, single submitter. Criteria: EGL Classification Definitions 2015. Collection method: clinical testing. Allele origin: germline. Observed: 1 variant allele, 1 heterozygote.

Breakthrough Genomics
Classification: Uncertain significance. Review status: criteria provided, single submitter. Criteria: ACMG Guidelines, 2015. Collection method: not provided. Allele origin: germline. Inheritance: Autosomal recessive inheritance. Affected: yes.

Natera, Inc.
Classification: Uncertain significance for Autosomal recessive deafness type 77. Last evaluated: 2020-09-16. Review status: no assertion criteria provided. Collection method: clinical testing. Allele origin: germline. Not counted in ClinVar's aggregate classification.

Counsyl
Classification: Uncertain significance for Autosomal recessive nonsyndromic hearing loss 77. Last evaluated: 2017-08-15. Review status: no assertion criteria provided. Collection method: clinical testing. Allele origin: unknown. Not counted in ClinVar's aggregate classification.

Literature cited by the submitters: PubMed 24755471 (cited by Women's Health and Genetics/Laboratory Corporation of America, LabCorp); PubMed 23585771 (cited by Women's Health and Genetics/Laboratory Corporation of America, LabCorp); PubMed 34130750 (cited by Women's Health and Genetics/Laboratory Corporation of America, LabCorp); PubMed 31263352 (cited by Women's Health and Genetics/Laboratory Corporation of America, LabCorp); PubMed 22341973 (cited by 4 submitters); PubMed 29676012 (cited by Women's Health and Genetics/Laboratory Corporation of America, LabCorp); PubMed 29669943 (cited by Women's Health and Genetics/Laboratory Corporation of America, LabCorp and Laboratory for Molecular Medicine, Mass General Brigham Personalized Medicine); PubMed 29930198 (cited by Women's Health and Genetics/Laboratory Corporation of America, LabCorp); PubMed 40244234 (cited by Women's Health and Genetics/Laboratory Corporation of America, LabCorp).

NM_001384474.1(LOXHD1):c.2251C>T (p.Arg751Trp)

Gene: LOXHD1 (lipoxygenase homology PLAT domains 1; minus strand). Cytogenetic location: 18q21.1.
Variant type: single nucleotide variant.
Coding change: c.2251C>T on transcript NM_001384474.1 (MANE Select); coding-DNA position 2251, C replaced by T.
Protein change: p.Arg751Trp; replaces arginine 751 with tryptophan.
Molecular consequence: missense variant.
Genome position (GRCh38, 1-based): chr18:46,566,443, G>A on the plus strand (C>T on the coding strand, the complement: LOXHD1 is on the minus strand). VCF-style: chr18-46566443-G-A. GRCh37 (hg19) VCF-style: chr18-44146406-G-A.
Other names: c.2251C>T, p.Arg751Trp (NM_144612.7); short protein forms R751W.
Identifiers: ClinVar variation 47929 (VCV000047929.24), dbSNP rs376539851, ClinGen allele CA142206.